The following is an entry in ClinVar:

NM_032608.7(MYO18B):c.6825G>A (p.Trp2275Ter)

Gene: MYO18B (myosin XVIIIB; plus strand). Cytogenetic location: 22q12.1.
Variant type: single nucleotide variant.
Coding change: c.6825G>A on transcript NM_032608.7 (MANE Select); coding-DNA position 6825, G replaced by A.
Protein change: p.Trp2275Ter; replaces tryptophan 2275 with a stop codon.
Molecular consequence: nonsense.
Genome position (GRCh38, 1-based): chr22:26,026,799, G>A. VCF-style: chr22-26026799-G-A. GRCh37 (hg19) VCF-style: chr22-26422765-G-A.
Other names: c.6828G>A, p.Trp2276Ter (NM_001318245.2); short protein forms W2275*, W2276*.
Identifiers: ClinVar variation 2506003 (VCV002506003.4), dbSNP rs763487608, ClinGen allele CA10161621.

ClinVar aggregate classification (germline): Pathogenic/Likely pathogenic. Review status: criteria provided, multiple submitters, no conflicts (2 of 4 stars). 4 submissions from 4 submitters: Pathogenic (2); Likely pathogenic (2). Last evaluated 2025-05-21.

Conditions:
Klippel-Feil anomaly-myopathy-facial dysmorphism syndrome. Also called: Klippel-feil syndrome 4, autosomal recessive, with nemaline myopathy and facial dysmorphism; Klippel-Feil syndrome 4, autosomal recessive, with myopathy and facial dysmorphism. Identifiers: Orphanet 447974, MedGen C4225285, MONDO:0014689, OMIM 616549.
Inborn genetic diseases. Identifiers: MedGen C0950123, MeSH D030342.

Allele frequency attached by ClinVar (database versions not stated): TOPMed below 0.00001; ExAC 0.00001.
gnomAD v4.1: 14 of 1,599,274 alleles (0.00088%); highest among the groups gnomAD compares: South Asian, 0.016%; no homozygotes.

Submissions (4):

Ambry Genetics
Classification: Pathogenic for Inborn genetic diseases. Last evaluated: 2025-05-21. Review status: criteria provided, single submitter. Criteria: Ambry Variant Classification Scheme 2023. Collection method: clinical testing. Allele origin: germline.
Comment: The c.6825G>A (p.W2275*) alteration, located in exon 43 (coding exon 42) of the MYO18B gene, consists of a G to A substitution at nucleotide position 6825. This changes the amino acid from a tryptophan (W) to a stop codon at amino acid position 2275. This alteration is expected to result in loss of function by premature protein truncation or nonsense-mediated mRNA decay. Based on data from gnomAD, the A allele has an overall frequency of 0.001% (2/221460) total alleles studied. The highest observed frequency was 0.007% (2/28062) of South Asian alleles. Based on the available evidence, this alteration is classified as pathogenic.

Labcorp Genetics (formerly Invitae), Labcorp
Classification: Pathogenic. Last evaluated: 2023-07-27. Review status: criteria provided, single submitter. Criteria: Invitae Variant Classification Sherloc (09022015). Collection method: clinical testing. Allele origin: germline.
Comment: For these reasons, this variant has been classified as Pathogenic. ClinVar contains an entry for this variant (Variation ID: 2506003). This variant has not been reported in the literature in individuals affected with MYO18B-related conditions. This variant is present in population databases (rs763487608, gnomAD 0.007%). This sequence change creates a premature translational stop signal (p.Trp2275*) in the MYO18B gene. It is expected to result in an absent or disrupted protein product. Loss-of-function variants in MYO18B are known to be pathogenic (PMID: 25748484, 32184166, 32637634).

Neuberg Centre For Genomic Medicine, NCGM
Classification: Likely pathogenic for Klippel-Feil anomaly-myopathy-facial dysmorphism syndrome. Last evaluated: 2023-02-14. Review status: criteria provided, single submitter. Criteria: ACMG Guidelines, 2015. Collection method: clinical testing. Allele origin: germline. Inheritance: Autosomal recessive inheritance. Affected: yes.
Comment: The stop gained variant c.6825G>A (p.Trp2275Ter) in the MYO18B gene has not been reported previously as a pathogenic variant nor as a benign variant, to our knowledge. The variant has 0.0009% allele frequency in gnomAD Exomes and is novel (not in any individuals) in 1000 Genomes. It has been submitted to ClinVar as Likely Pathogenic. This variant is predicted to cause a loss of normal protein function through protein truncation. Loss of function variants has been previously reported to be disease-causing (Malfatti et al., 2015). For these reasons, this variant has been classified as Likely Pathogenic.

Division of Medical Genetics, Department of Pediatrics, All India Institute of Medical Sciences, New Delhi
Classification: Likely pathogenic for Klippel-Feil anomaly-myopathy-facial dysmorphism syndrome. Review status: criteria provided, single submitter. Criteria: ACMG Guidelines, 2015. Collection method: research. Allele origin: germline. Affected: yes.

Literature cited by the submitters: PubMed 25748484 (cited by Labcorp Genetics (formerly Invitae), Labcorp); PubMed 32184166 (cited by Labcorp Genetics (formerly Invitae), Labcorp); PubMed 32637634 (cited by Labcorp Genetics (formerly Invitae), Labcorp).